The following is an entry in ClinVar:

ClinVar aggregate classification (germline): Likely benign. Review status: criteria provided, multiple submitters, no conflicts (2 of 4 stars). 2 submissions from 2 submitters: Likely benign (2). Last evaluated 2023-08-01.

Conditions:
Familial cancer of breast. Also called: Hereditary breast cancer; BREAST CANCER, FAMILIAL; hereditary breast carcinoma. Identifiers: Orphanet 227535, MedGen C0346153, MONDO:0016419, OMIM 114480. Disease mechanism: loss of function.

Submissions (2):

CeGaT Center for Human Genetics Tuebingen
Classification: Likely benign. Last evaluated: 2023-08-01. Review status: criteria provided, single submitter. Criteria: CeGaT Center For Human Genetics Tuebingen Variant Classification Criteria Version 2. Collection method: clinical testing. Allele origin: germline. Affected: yes. Observed: 1 variant allele.
Comment: PALB2: PM2:Supporting, BP4, BP7

Labcorp Genetics (formerly Invitae), Labcorp
Classification: Likely benign for Familial cancer of breast. Last evaluated: 2022-08-30. Review status: criteria provided, single submitter. Criteria: Invitae Variant Classification Sherloc (09022015). Collection method: clinical testing. Allele origin: germline.

NM_024675.4(PALB2):c.204A>G (p.Lys68=)

Gene: PALB2 (partner and localizer of BRCA2; minus strand). Cytogenetic location: 16p12.2.
Variant type: single nucleotide variant.
Coding change: c.204A>G on transcript NM_024675.4 (MANE Select); coding-DNA position 204, A replaced by G.
Protein change: p.Lys68=; no amino-acid change (lysine 68 retained).
Molecular consequence: synonymous variant. On other transcripts: 5 prime UTR variant (8), intron variant (3).
Genome position (GRCh38, 1-based): chr16:23,637,857, T>C on the plus strand (A>G on the coding strand, the complement: PALB2 is on the minus strand). VCF-style: chr16-23637857-T-C. GRCh37 (hg19) VCF-style: chr16-23649178-T-C.
Other names: c.144A>G, p.Lys48= (NM_001407296.1); c.204A>G, p.Lys68= (NM_001407297.1, NM_001407298.1, NM_001407299.1 and 3 more transcripts); c.-682A>G (NM_001407304.1, NM_001407305.1, NM_001407306.1 and 5 more transcripts); c.48+3253A>G (NM_001407314.1); c.-105+3253A>G (NM_001407313.1, NM_001407312.1).
Identifiers: ClinVar variation 2028010 (VCV002028010.28), dbSNP rs2142455551, ClinGen allele CA494167368.